The following is an entry in ClinVar:

ClinVar aggregate classification (germline): Benign/Likely benign. Review status: criteria provided, multiple submitters, no conflicts (2 of 4 stars). 19 submissions from 17 submitters: Benign (9); Likely benign (6). 4 of the submissions do not count toward it. Last evaluated 2026-08-01.

Conditions:
Inborn genetic diseases. Identifiers: MedGen C0950123, MeSH D030342.
Spinocerebellar ataxia, autosomal recessive, with axonal neuropathy 2 (SCAN2). Also called: Ataxia with Oculomotor Apraxia Type 2; Ataxia with Oculomotor Apraxia; ATAXIA-OCULOMOTOR APRAXIA 2; Ataxia-ocular apraxia-2. Identifiers: Orphanet 64753, MedGen C1853761, MONDO:0018996, OMIM 606002.
Amyotrophic lateral sclerosis type 4 (ALS4). Also called: AMYOTROPHIC LATERAL SCLEROSIS 4, JUVENILE; NEURONOPATHY, DISTAL HEREDITARY MOTOR, WITH PYRAMIDAL FEATURES. Identifiers: Orphanet 357043, MedGen C1865409, MONDO:0011223, OMIM 602433.
Hereditary spastic paraplegia. Also called: Familial spastic paraparesis. Identifiers: Orphanet 685, MedGen C0037773, MONDO:0019064. Disease mechanism: loss of function.

Allele frequency attached by ClinVar (database versions not stated): gnomAD 0.00484 and 0.00515; TOPMed 0.00526; ExAC 0.00584; ESP Exome Variant Server 0.00584; 1000 Genomes Project 30x 0.00609; gnomAD exomes 0.00610 and 0.00742; 1000 Genomes Project 0.00619.
gnomAD v4.1: 11,609 of 1,614,212 alleles (0.72%); highest among the groups gnomAD compares: Middle Eastern, 1.3%; 75 homozygotes.

Submissions (19):

CeGaT Center for Human Genetics Tuebingen
Classification: Benign. Last evaluated: 2026-08-01. Review status: criteria provided, single submitter. Criteria: CeGaT Center For Human Genetics Tuebingen Variant Classification Criteria Version 2. Collection method: clinical testing. Allele origin: germline. Affected: yes. Observed: 34 variant alleles.
Comment: SETX: BP4, BP7, BS1, BS2

Labcorp Genetics (formerly Invitae), Labcorp
Classification: Benign for Amyotrophic lateral sclerosis type 4; Spinocerebellar ataxia, autosomal recessive, with axonal neuropathy 2. Last evaluated: 2026-02-04. Review status: criteria provided, single submitter. Criteria: Invitae Variant Classification Sherloc (09022015). Collection method: clinical testing. Allele origin: germline.

ARUP Laboratories, Molecular Genetics and Genomics, ARUP Laboratories
Classification: Benign. Last evaluated: 2025-02-13. Review status: criteria provided, single submitter. Criteria: ARUP Molecular Germline Variant Investigation Process 2024. Collection method: clinical testing. Allele origin: germline.

Genome-Nilou Lab
Classification: Likely benign for Spinocerebellar ataxia, autosomal recessive, with axonal neuropathy 2. Last evaluated: 2023-02-08. Review status: criteria provided, single submitter. Criteria: ACMG Guidelines, 2015. Collection method: clinical testing. Allele origin: germline.

Genome-Nilou Lab
Classification: Likely benign for Amyotrophic lateral sclerosis type 4. Last evaluated: 2023-02-08. Review status: criteria provided, single submitter. Criteria: ACMG Guidelines, 2015. Collection method: clinical testing. Allele origin: germline.

Genome Diagnostics Laboratory, The Hospital for Sick Children
Classification: Benign for Hereditary spastic paraplegia. Last evaluated: 2021-10-05. Review status: criteria provided, single submitter. Criteria: ACMG Guidelines, 2015. Collection method: clinical testing. Allele origin: germline. Affected: yes.

Fulgent Genetics
Classification: Likely benign for Amyotrophic lateral sclerosis type 4; Spinocerebellar ataxia, autosomal recessive, with axonal neuropathy 2. Last evaluated: 2021-08-11. Review status: criteria provided, single submitter. Criteria: ACMG Guidelines, 2015. Collection method: clinical testing. Allele origin: unknown.

GeneDx
Classification: Likely benign. Last evaluated: 2020-10-19. Review status: criteria provided, single submitter. Criteria: GeneDx Variant Classification Process June 2021. Collection method: clinical testing. Allele origin: germline. Affected: yes.

Ambry Genetics
Classification: Likely benign for Inborn genetic diseases. Last evaluated: 2019-07-11. Review status: criteria provided, single submitter. Criteria: Ambry Variant Classification Scheme 2023. Collection method: clinical testing. Allele origin: germline.

Illumina Laboratory Services, Illumina
Classification: Benign for Spinocerebellar ataxia, autosomal recessive, with axonal neuropathy 2. Last evaluated: 2018-01-13. Review status: criteria provided, single submitter. Criteria: ICSL Variant Classification Criteria 13 December 2019. Collection method: clinical testing. Allele origin: germline.
Comment: This variant was observed in the ICSL laboratory as part of a predisposition screen in an ostensibly healthy population. It had not been previously curated by ICSL or reported in the Human Gene Mutation Database (HGMD: prior to June 1st, 2018), and was therefore a candidate for classification through an automated scoring system. Utilizing variant allele frequency, disease prevalence and penetrance estimates, and inheritance mode, an automated score was calculated to assess if this variant is too frequent to cause the disease. Based on the score and internal cut-off values, a variant classified as benign is not then subjected to further curation. The score for this variant resulted in a classification of benign for this disease.

Illumina Laboratory Services, Illumina
Classification: Benign for Amyotrophic lateral sclerosis type 4. Last evaluated: 2018-01-13. Review status: criteria provided, single submitter. Criteria: ICSL Variant Classification Criteria 13 December 2019. Collection method: clinical testing. Allele origin: germline.
Comment: the same text as in the submission from Illumina Laboratory Services, Illumina above.

Athena Diagnostics
Classification: Benign. Last evaluated: 2017-08-31. Review status: criteria provided, single submitter. Criteria: Athena Diagnostics Criteria. Collection method: clinical testing. Allele origin: germline.

Mayo Clinic Laboratories, Mayo Clinic
Classification: Benign. Last evaluated: 2016-04-22. Review status: criteria provided, single submitter. Criteria: ACMG Guidelines, 2015. Collection method: clinical testing. Allele origin: germline. Observed: 37 variant alleles.

Breakthrough Genomics
Classification: Likely benign. Review status: criteria provided, single submitter. Criteria: ACMG Guidelines, 2015. Collection method: not provided. Allele origin: germline. Inheritance: Autosomal recessive inheritance. Affected: yes.

PreventionGenetics, part of Exact Sciences
Classification: Benign. Review status: criteria provided, single submitter. Criteria: ACMG Guidelines, 2015. Collection method: clinical testing. Allele origin: germline.

Clinical Genetics DNA and cytogenetics Diagnostics Lab, Erasmus MC, Erasmus Medical Center
Classification: Likely benign. Review status: no assertion criteria provided. Collection method: clinical testing. Allele origin: germline. Affected: yes. Study: VKGL Data-share Consensus. Not counted in ClinVar's aggregate classification.

Clinical Genetics, Academic Medical Center
Classification: Benign. Review status: no assertion criteria provided. Collection method: clinical testing. Allele origin: germline. Affected: yes. Study: VKGL Data-share Consensus. Not counted in ClinVar's aggregate classification.

Genome Diagnostics Laboratory, Amsterdam University Medical Center
Classification: Benign. Review status: no assertion criteria provided. Collection method: clinical testing. Allele origin: germline. Affected: yes. Study: VKGL Data-share Consensus. Not counted in ClinVar's aggregate classification.

Joint Genome Diagnostic Labs from Nijmegen and Maastricht, Radboudumc and MUMC+
Classification: Benign. Review status: no assertion criteria provided. Collection method: clinical testing. Allele origin: germline. Affected: yes. Study: VKGL Data-share Consensus. Not counted in ClinVar's aggregate classification.

NM_015046.7(SETX):c.4755T>G (p.Pro1585=)

Gene: SETX (senataxin; minus strand). Cytogenetic location: 9q34.13.
Variant type: single nucleotide variant.
Coding change: c.4755T>G on transcript NM_015046.7 (MANE Select); coding-DNA position 4755, T replaced by G.
Protein change: p.Pro1585=; no amino-acid change (proline 1585 retained).
Molecular consequence: synonymous variant.
Genome position (GRCh38, 1-based): chr9:132,326,843, A>C on the plus strand (T>G on the coding strand, the complement: SETX is on the minus strand). VCF-style: chr9-132326843-A-C. GRCh37 (hg19) VCF-style: chr9-135202230-A-C.
Other names: p.Pro1585=; c.4755T>G, p.Pro1585= (NM_001351527.2, NM_001351528.2).
Identifiers: ClinVar variation 260506 (VCV000260506.98), dbSNP rs151237267, ClinGen allele CA5297140.
Genomic context (GRCh38, chr9:132,326,843, plus strand): 5'-TGAAGTACTCTTTGAGCTAAAAATCTTAGTGGTAGGTCTCAAAGGTTTAGATGCAGGAGG[A>C]GGCAAGCCAGGTTTACGAAATACATCTTCATCTGCTGCTTTCACTTCAGAGTGTTTTGGG-3'
Protein context (NP_055861.3, residues 1575-1595): DEDVFRKPGL[Pro1585=]PPASKPLRPT